The following is an entry in ClinVar:

ClinVar aggregate classification (germline): Uncertain significance (1 of 4 stars; one submission).

Conditions:
Brown-Vialetto-van Laere syndrome 1. Also called: BROWN-VIALETTO-VAN LAERE SYNDROME 1, MILD; BULBAR PALSY, PROGRESSIVE, WITH SENSORINEURAL DEAFNESS; PONTOBULBAR PALSY WITH DEAFNESS. Identifiers: Orphanet 572550, Orphanet 97229, MedGen C0796274, MONDO:0024537, OMIM 211530.

Submission:

Labcorp Genetics (formerly Invitae), Labcorp
Classification: Uncertain significance for Brown-Vialetto-van Laere syndrome 1. Last evaluated: 2017-07-03. Review status: criteria provided, single submitter. Criteria: Invitae Variant Classification Sherloc (09022015). Collection method: clinical testing. Allele origin: germline.
Comment: This variant is not present in population databases (ExAC no frequency). This sequence change replaces valine with leucine at codon 84 of the SLC52A3 protein (p.Val84Leu). The valine residue is weakly conserved and there is a small physicochemical difference between valine and leucine. This variant has not been reported in the literature in individuals with SLC52A3-related disease. In summary, the available evidence is currently insufficient to determine the role of this variant in disease. Therefore, it has been classified as a Variant of Uncertain Significance. Algorithms developed to predict the effect of missense changes on protein structure and function output the following: SIFT: "Tolerated"; PolyPhen-2: "Benign"; Align-GVGD: "Class C0". The leucine amino acid residue is found in multiple mammalian species, suggesting that this missense change does not adversely affect protein function. These predictions have not been confirmed by published functional studies and their clinical significance is uncertain.

NM_033409.4(SLC52A3):c.250G>C (p.Val84Leu)

Gene: SLC52A3 (solute carrier family 52 member 3; minus strand). Cytogenetic location: 20p13.
Variant type: single nucleotide variant.
Coding change: c.250G>C on transcript NM_033409.4 (MANE Select); coding-DNA position 250, G replaced by C.
Protein change: p.Val84Leu; replaces valine 84 with leucine.
Molecular consequence: missense variant.
Genome position (GRCh38, 1-based): chr20:765,525, C>G on the plus strand (G>C on the coding strand, the complement: SLC52A3 is on the minus strand). VCF-style: chr20-765525-C-G. GRCh37 (hg19) VCF-style: chr20-746169-C-G.
Other names: c.250G>C, p.Val84Leu (NM_001370085.1, NM_001370086.1); short protein forms V84L.
Identifiers: ClinVar variation 476607 (VCV000476607.8), dbSNP rs142064992, ClinGen allele CA407964242.